The following is an entry in ClinVar:

NM_000264.5(PTCH1):c.881G>A (p.Arg294His)

Gene: PTCH1 (patched 1; minus strand). Cytogenetic location: 9q22.32.
Variant type: single nucleotide variant.
Coding change: c.881G>A on transcript NM_000264.5 (MANE Select); coding-DNA position 881, G replaced by A.
Protein change: p.Arg294His; replaces arginine 294 with histidine.
Molecular consequence: missense variant. On other transcripts: non-coding transcript variant (1).
Genome position (GRCh38, 1-based): chr9:95,480,454, C>T on the plus strand (G>A on the coding strand, the complement: PTCH1 is on the minus strand). VCF-style: chr9-95480454-C-T. GRCh37 (hg19) VCF-style: chr9-98242736-C-T.
Other names: c.683G>A, p.Arg228His (NM_001083602.3); c.878G>A, p.Arg293His (NM_001083603.3); c.428G>A, p.Arg143His (NM_001083604.3, NM_001083605.3, NM_001083606.3 and 1 more transcripts); c.881G>A, p.Arg294His (NM_001354918.2); short protein forms R228H, R294H, R143H, R293H.
Identifiers: ClinVar variation 237502 (VCV000237502.17), dbSNP rs878853859, ClinGen allele CA10582688.
Genomic context (GRCh38, chr9:95,480,454, plus strand): 5'-GTTGAATTTTTGTTGGGGGCTGTGGCGGGGCAGTCTGGATCGGCCGGATTGAGGCAGGGG[C>T]GGTCCATGTAACCATGACCAACCTCAGCCTTATTCAGCATTTCCTCCCAGCTGTCCACTT-3'
Protein context (NP_000255.2, residues 284-304): KAEVGHGYMD[Arg294His]PCLNPADPDC

ClinVar aggregate classification (germline): Conflicting classifications of pathogenicity. Review status: criteria provided, conflicting classifications (1 of 4 stars). 4 submissions from 4 submitters: Uncertain significance (3); Likely benign (1). Last evaluated 2026-09-02.

Conditions:
Hereditary cancer-predisposing syndrome. Also called: Tumor predisposition; Hereditary Cancer Syndrome; Neoplastic Syndromes, Hereditary; Hereditary neoplastic syndrome. Identifiers: Orphanet 140162, MedGen C0027672, MeSH D009386, MONDO:0015356.
PTCH1-related disorder. Also called: PTCH1-related disorders; PTCH1-related condition.
Gorlin syndrome. Also called: Nevoid Basal Cell Carcinoma Syndrome; Basal cell nevus syndrome. Identifiers: Orphanet 377, MedGen C0004779, MONDO:0007187.

Allele frequency attached by ClinVar (database versions not stated): gnomAD exomes below 0.00001; gnomAD 0.00001.
gnomAD v4.1: 7 of 1,610,084 alleles (0.00043%); highest among the groups gnomAD compares: Middle Eastern, 0.021%; no homozygotes.

Submissions (4):

PreventionGenetics, part of Exact Sciences
Classification: Uncertain significance for PTCH1-related condition. Last evaluated: 2026-09-02. Review status: criteria provided, single submitter. Criteria: ACMG Guidelines, 2015. Collection method: clinical testing. Allele origin: germline.
Comment: The PTCH1 c.881G>A variant is predicted to result in the amino acid substitution p.Arg294His. To our knowledge, this variant has not been reported in the literature. This variant is reported in 0.0041% of alleles in individuals of European (Finnish) descent in gnomAD. This variant has conflicting classifications in ClinVar, ranging from uncertain significance to likely benign (Variation ID: 237502). Although we suspect that this variant may be benign, at this time, the clinical significance of this variant is uncertain due to the absence of conclusive functional and genetic evidence.

Labcorp Genetics (formerly Invitae), Labcorp
Classification: Likely benign for Gorlin syndrome. Last evaluated: 2026-01-11. Review status: criteria provided, single submitter. Criteria: Invitae Variant Classification Sherloc (09022015). Collection method: clinical testing. Allele origin: germline.

Ambry Genetics
Classification: Uncertain significance for Hereditary cancer-predisposing syndrome. Last evaluated: 2025-12-21. Review status: criteria provided, single submitter. Criteria: Ambry Variant Classification Scheme 2023. Collection method: clinical testing. Allele origin: germline.
Comment: The p.R294H variant (also known as c.881G>A), located in coding exon 6 of the PTCH1 gene, results from a G to A substitution at nucleotide position 881. The arginine at codon 294 is replaced by histidine, an amino acid with highly similar properties. This amino acid position is highly conserved in available vertebrate species. In addition, this alteration is predicted to be deleterious by in silico analysis. Since supporting evidence is limited at this time, the clinical significance of this alteration remains unclear.

CeGaT Center for Human Genetics Tuebingen
Classification: Uncertain significance. Last evaluated: 2025-12-01. Review status: criteria provided, single submitter. Criteria: CeGaT Center For Human Genetics Tuebingen Variant Classification Criteria Version 2. Collection method: clinical testing. Allele origin: germline. Affected: yes. Observed: 1 variant allele.
Comment: PTCH1: PM2, PP3